The following is an entry in ClinVar:

ClinVar aggregate classification (germline): Uncertain significance (1 of 4 stars; one submission).

Conditions:
Hereditary cancer-predisposing syndrome. Also called: Neoplastic Syndromes, Hereditary; Tumor predisposition; Hereditary Cancer Syndrome; Hereditary neoplastic syndrome. Identifiers: Orphanet 140162, MedGen C0027672, MeSH D009386, MONDO:0015356.

Submission:

Ambry Genetics
Classification: Uncertain significance for Hereditary cancer-predisposing syndrome. Last evaluated: 2015-05-25. Review status: criteria provided, single submitter. Criteria: Ambry Variant Classification Scheme 2023. Collection method: clinical testing. Allele origin: germline.
Comment: The p.P28S variant (also known as c.82C>T), located in coding exon 1 of the BARD1 gene, results from a C to T substitution at nucleotide position 82. The proline at codon 28 is replaced by serine, an amino acid with similar properties. This variant was not reported in population based cohorts in the following databases: Database of Single Nucleotide Polymorphisms (dbSNP), NHLBI Exome Sequencing Project (ESP), and 1000 Genomes Project. In the ESP, this variant was not observed in 6255 samples (12510 alleles) with coverage at this position. To date, this alteration has been detected with an allele frequency of approximately 0.002% (greater than 65000 alleles tested) in our clinical cohort. In addition, the in silico prediction for this alteration is inconclusive. Since supporting evidence is limited at this time, the clinical significance of p.P28S remains unclear.

NM_000465.4(BARD1):c.82C>T (p.Pro28Ser)

Gene: BARD1 (BRCA1 associated RING domain 1; minus strand). Cytogenetic location: 2q35.
Variant type: single nucleotide variant.
Coding change: c.82C>T on transcript NM_000465.4 (MANE Select); coding-DNA position 82, C replaced by T.
Protein change: p.Pro28Ser; replaces proline 28 with serine.
Molecular consequence: missense variant. On other transcripts: non-coding transcript variant (3).
Genome position (GRCh38, 1-based): chr2:214,809,488, G>A on the plus strand (C>T on the coding strand, the complement: BARD1 is on the minus strand). VCF-style: chr2-214809488-G-A. GRCh37 (hg19) VCF-style: chr2-215674212-G-A.
Other names: c.82C>T, p.Pro28Ser (NM_001282543.2, NM_001282545.2, NM_001282548.2 and 1 more transcripts); short protein forms P28S.
Identifiers: ClinVar variation 232012 (VCV000232012.5), dbSNP rs770702450, ClinGen allele CA10577865.